The following is an entry in ClinVar:

ClinVar aggregate classification (germline): Likely pathogenic (1 of 4 stars; one submission).

Conditions:
Developmental and epileptic encephalopathy, 11 (DEE11). Also called: Early infantile epileptic encephalopathy 11. Identifiers: Orphanet 1934, MedGen C3150987, MONDO:0013388, OMIM 613721.
Seizures, benign familial infantile, 3 (BFIS3). Also called: CONVULSIONS, BENIGN FAMILIAL INFANTILE, 3; Familial neonatal seizures. Identifiers: Orphanet 140927, Orphanet 306, MedGen C1843140, MONDO:0011904, OMIM 607745.

Submission:

Labcorp Genetics (formerly Invitae), Labcorp
Classification: Likely pathogenic for Seizures, benign familial infantile, 3; Developmental and epileptic encephalopathy, 11. Last evaluated: 2024-06-04. Review status: criteria provided, single submitter. Criteria: Invitae Variant Classification Sherloc (09022015). Collection method: clinical testing. Allele origin: germline.
Comment: This sequence change affects an acceptor splice site in intron 18 of the SCN2A gene. It is expected to disrupt RNA splicing. Variants that disrupt the donor or acceptor splice site typically lead to a loss of protein function (PMID: 16199547), and loss-of-function variants in SCN2A are known to be pathogenic (PMID: 28379373). This variant is not present in population databases (gnomAD no frequency). This variant has not been reported in the literature in individuals affected with SCN2A-related conditions. Algorithms developed to predict the effect of sequence changes on RNA splicing suggest that this variant may disrupt the consensus splice site. In summary, the currently available evidence indicates that the variant is pathogenic, but additional data are needed to prove that conclusively. Therefore, this variant has been classified as Likely Pathogenic.

Literature cited by the submitters: PubMed 16199547; PubMed 28379373.

NM_001040142.2(SCN2A):c.3521-1G>A

Gene: SCN2A (sodium voltage-gated channel alpha subunit 2; plus strand). Cytogenetic location: 2q24.3.
Variant type: single nucleotide variant.
Coding change: c.3521-1G>A on transcript NM_001040142.2 (MANE Select); the canonical splice acceptor site of the intron before coding-DNA position 3521, G replaced by A.
Molecular consequence: splice acceptor variant.
Genome position (GRCh38, 1-based): chr2:165,367,216, G>A. VCF-style: chr2-165367216-G-A. GRCh37 (hg19) VCF-style: chr2-166223726-G-A.
Other names: c.3521-1G>A (NM_001040143.2, NM_001371246.1, NM_001371247.1 and 1 more transcripts).
Identifiers: ClinVar variation 3756649 (VCV003756649.2).